The following is an entry in ClinVar:

NM_001267550.2(TTN):c.49287C>T (p.Asn16429=)

Genes: TTN-AS1 (TTN antisense RNA 1; plus strand), TTN (titin; minus strand). Cytogenetic location: 2q31.2.
Variant type: single nucleotide variant.
Coding change: c.49287C>T on transcript NM_001267550.2 (MANE Select); coding-DNA position 49287, C replaced by T.
Protein change: p.Asn16429=; no amino-acid change (asparagine 16429 retained).
Molecular consequence: synonymous variant. On other transcripts: non-coding transcript variant (1).
Genome position (GRCh38, 1-based): chr2:178,614,110, G>A on the plus strand (C>T on the coding strand, the complement: TTN is on the minus strand). VCF-style: chr2-178614110-G-A. GRCh37 (hg19) VCF-style: chr2-179478837-G-A.
Other names: c.44364C>T, p.Asn14788= (NM_001256850.1); c.22092C>T, p.Asn7364= (NM_003319.4); c.41583C>T, p.Asn13861= (NM_133378.4); c.22467C>T, p.Asn7489= (NM_133432.3); c.22668C>T, p.Asn7556= (NM_133437.4).
Identifiers: ClinVar variation 391185 (VCV000391185.41), dbSNP rs763809932, ClinGen allele CA1994641.

ClinVar aggregate classification (germline): Likely benign. Review status: criteria provided, multiple submitters, no conflicts (2 of 4 stars). 7 submissions from 7 submitters: Likely benign (6). 1 of the submissions does not count toward it. Last evaluated 2026-01-26.

Conditions:
Autosomal recessive limb-girdle muscular dystrophy type 2J (LGMDR10). Also called: Limb-girdle muscular dystrophy, type 2J; MUSCULAR DYSTROPHY, LIMB-GIRDLE, AUTOSOMAL RECESSIVE 10. Identifiers: Orphanet 140922, MedGen C1837342, MONDO:0012127, OMIM 608807.
Dilated cardiomyopathy 1G (CMD1G). Identifiers: Orphanet 154, MedGen C1858763, MONDO:0011400, OMIM 604145.
TTN-related disorder. Also called: TTN-related condition; TTN-related disease; TTN-related disorders.
Cardiovascular phenotype. Identifiers: MedGen CN230736.
Early-onset myopathy with fatal cardiomyopathy (CMYO5). Also called: CONGENITAL MYOPATHY 5 WITH CARDIOMYOPATHY; Salih Myopathy. Identifiers: Orphanet 289377, MedGen C2673677, MONDO:0012714, OMIM 611705. Disease mechanism: loss of function.
Hypertrophic cardiomyopathy 9. Also called: Familial hypertrophic cardiomyopathy 9. Identifiers: MedGen C1861065, MONDO:0013412, OMIM 613765.
Tibial muscular dystrophy (TMD). Also called: Tibial muscular dystrophy, tardive; Udd Distal Myopathy – Tibial Muscular Dystrophy; UDD MYOPATHY. Identifiers: Orphanet 609, MedGen C1838244, MONDO:0010870, OMIM 600334.
Myopathy, myofibrillar, 9, with early respiratory failure (MFM9). Also called: Myopathy, distal, with early respiratory failure, autosomal dominant; Hereditary myopathy with early respiratory failure; MYOPATHY, PROXIMAL, WITH EARLY RESPIRATORY MUSCLE INVOLVEMENT; EDSTROM MYOPATHY. Identifiers: Orphanet 178464, Orphanet 34521, MedGen C1863599, MONDO:0011362, OMIM 603689.

Allele frequency attached by ClinVar (database versions not stated): ExAC 0.00001; gnomAD 0.00001; gnomAD exomes 0.00002; TOPMed 0.00002.
gnomAD v4.1: 38 of 1,612,266 alleles (0.0024%); highest among the groups gnomAD compares: Middle Eastern, 0.033%; no homozygotes.

Submissions (7):

Labcorp Genetics (formerly Invitae), Labcorp
Classification: Likely benign for Dilated cardiomyopathy 1G; Autosomal recessive limb-girdle muscular dystrophy type 2J. Last evaluated: 2026-01-26. Review status: criteria provided, single submitter. Criteria: Invitae Variant Classification Sherloc (09022015). Collection method: clinical testing. Allele origin: germline.

CeGaT Center for Human Genetics Tuebingen
Classification: Likely benign. Last evaluated: 2023-06-01. Review status: criteria provided, single submitter. Criteria: CeGaT Center For Human Genetics Tuebingen Variant Classification Criteria Version 2. Collection method: clinical testing. Allele origin: germline. Affected: yes. Observed: 1 variant allele.
Comment: TTN: BP4, BP7

Blueprint Genetics
Classification: Likely benign. Last evaluated: 2023-01-04. Review status: criteria provided, single submitter. Criteria: ACMG Guidelines, 2015. Collection method: clinical testing. Allele origin: germline.

Fulgent Genetics
Classification: Likely benign for Tibial muscular dystrophy; Myopathy, myofibrillar, 9, with early respiratory failure; Dilated cardiomyopathy 1G; Autosomal recessive limb-girdle muscular dystrophy type 2J; Early-onset myopathy with fatal cardiomyopathy; Hypertrophic cardiomyopathy 9. Last evaluated: 2021-09-10. Review status: criteria provided, single submitter. Criteria: ACMG Guidelines, 2015. Collection method: clinical testing. Allele origin: unknown.

Ambry Genetics
Classification: Likely benign for Cardiovascular phenotype. Last evaluated: 2021-07-21. Review status: criteria provided, single submitter. Criteria: Ambry Variant Classification Scheme 2023. Collection method: clinical testing. Allele origin: germline.

GeneDx
Classification: Likely benign. Last evaluated: 2016-11-23. Review status: criteria provided, single submitter. Criteria: GeneDx Variant Classification (06012015). Collection method: clinical testing. Allele origin: germline. Affected: yes.
Comment: This variant is considered likely benign or benign based on one or more of the following criteria: it is a conservative change, it occurs at a poorly conserved position in the protein, it is predicted to be benign by multiple in silico algorithms, and/or has population frequency not consistent with disease.

PreventionGenetics, part of Exact Sciences
Classification: Likely benign for TTN-related condition. Last evaluated: 2019-05-30. Review status: no assertion criteria provided. Collection method: clinical testing. Allele origin: germline. Not counted in ClinVar's aggregate classification.
Comment: This variant is classified as likely benign based on ACMG/AMP sequence variant interpretation guidelines (Richards et al. 2015 PMID: 25741868, with internal and published modifications).